The following is an entry in ClinVar:

NM_006005.3(WFS1):c.913G>T (p.Asp305Tyr)

Gene: WFS1 (wolframin ER transmembrane glycoprotein; plus strand). Cytogenetic location: 4p16.1.
Variant type: single nucleotide variant.
Coding change: c.913G>T on transcript NM_006005.3 (MANE Select); coding-DNA position 913, G replaced by T.
Protein change: p.Asp305Tyr; replaces aspartic acid 305 with tyrosine.
Molecular consequence: missense variant.
Genome position (GRCh38, 1-based): chr4:6,300,708, G>T. VCF-style: chr4-6300708-G-T. GRCh37 (hg19) VCF-style: chr4-6302435-G-T.
Other names: c.913G>T, p.Asp305Tyr (NM_001145853.1); short protein forms D305Y.
Identifiers: ClinVar variation 3364921 (VCV003364921.1).

ClinVar aggregate classification (germline): Uncertain significance (1 of 4 stars; one submission).

gnomAD v4.1: 1 of 1,614,020 alleles (0.000062%); highest among the groups gnomAD compares: Non-Finnish European, 0.000085%; no homozygotes.

Submission:

GeneDx
Classification: Uncertain significance. Last evaluated: 2023-11-29. Review status: criteria provided, single submitter. Criteria: GeneDx Variant Classification Process June 2021. Collection method: clinical testing. Allele origin: germline. Affected: yes.
Comment: In silico analysis supports that this missense variant has a deleterious effect on protein structure/function; Has not been previously published as pathogenic or benign to our knowledge